The following is an entry in ClinVar:

ClinVar aggregate classification (germline): Uncertain significance (1 of 4 stars; one submission).

Submission:

GeneDx
Classification: Uncertain significance. Last evaluated: 2025-03-17. Review status: criteria provided, single submitter. Criteria: GeneDx Variant Classification Process June 2021. Collection method: clinical testing. Allele origin: germline. Affected: yes.
Comment: Not observed at significant frequency in large population cohorts (gnomAD); In silico analysis supports that this missense variant has a deleterious effect on protein structure/function; Has not been previously published as pathogenic or benign to our knowledge

NM_000384.3(APOB):c.5293G>C (p.Asp1765His)

Gene: APOB (apolipoprotein B; minus strand). Cytogenetic location: 2p24.1.
Variant type: single nucleotide variant.
Coding change: c.5293G>C on transcript NM_000384.3 (MANE Select); coding-DNA position 5293, G replaced by C.
Protein change: p.Asp1765His; replaces aspartic acid 1765 with histidine.
Molecular consequence: missense variant.
Genome position (GRCh38, 1-based): chr2:21,011,575, C>G on the plus strand (G>C on the coding strand, the complement: APOB is on the minus strand). VCF-style: chr2-21011575-C-G. GRCh37 (hg19) VCF-style: chr2-21234447-C-G.
Other names: short protein forms D1765H.
Identifiers: ClinVar variation 4086290 (VCV004086290.1).
Genomic context (GRCh38, chr2:21,011,575, plus strand): 5'-TAACAGTTTGCTTATAAAACTTGTCAGAGCTGTAAATGTTGTCAAGTTTTGAAGAGAAGT[C>G]CAGTGATAAGCCTGCAATGTTCAGACTGTTTGTGTGGTCAAATTTCATTTCAGCATATGA-3'
Protein context (NP_000375.3, residues 1755-1775): NSLNIAGLSL[Asp1765His]FSSKLDNIYS